The following is an entry in ClinVar:

NM_000217.3(KCNA1):c.781G>A (p.Ala261Thr)

Gene: KCNA1 (potassium voltage-gated channel subfamily A member 1; plus strand). Cytogenetic location: 12p13.32.
Variant type: single nucleotide variant.
Coding change: c.781G>A on transcript NM_000217.3 (MANE Select); coding-DNA position 781, G replaced by A.
Protein change: p.Ala261Thr; replaces alanine 261 with threonine.
Molecular consequence: missense variant.
Genome position (GRCh38, 1-based): chr12:4,912,159, G>A. VCF-style: chr12-4912159-G-A. GRCh37 (hg19) VCF-style: chr12-5021325-G-A.
Other names: short protein forms A261T.
Identifiers: ClinVar variation 1879222 (VCV001879222.29), dbSNP rs2497353115, ClinGen allele CA383455325.

ClinVar aggregate classification (germline): Pathogenic (1 of 4 stars; one submission).

Submission:

CeGaT Center for Human Genetics Tuebingen
Classification: Pathogenic. Last evaluated: 2022-11-01. Review status: criteria provided, single submitter. Criteria: CeGaT Center For Human Genetics Tuebingen Variant Classification Criteria Version 2. Collection method: clinical testing. Allele origin: germline. Affected: yes. Observed: 1 variant allele.
Comment: KCNA1: PM6:Strong, PM2, PS4:Moderate, PP2, PP3, PS3:Supporting